The following is an entry in ClinVar:

NM_001854.4(COL11A1):c.3168+9G>A

Gene: COL11A1 (collagen type XI alpha 1 chain; minus strand). Cytogenetic location: 1p21.1.
Variant type: single nucleotide variant.
Coding change: c.3168+9G>A on transcript NM_001854.4 (MANE Select); 9 bases into the intron after coding-DNA position 3168, G replaced by A.
Molecular consequence: intron variant.
Genome position (GRCh38, 1-based): chr1:102,961,857, C>T on the plus strand (G>A on the coding strand, the complement: COL11A1 is on the minus strand). VCF-style: chr1-102961857-C-T. GRCh37 (hg19) VCF-style: chr1-103427413-C-T.
Other names: c.3051+9G>A (NM_001190709.2); c.3204+9G>A (NM_080629.3); c.2820+9G>A (NM_080630.4).
Identifiers: ClinVar variation 515278 (VCV000515278.1), dbSNP rs1553218164, ClinGen allele CA658795493.
Genomic context (GRCh38, chr1:102,961,857, plus strand): 5'-GAGAGTAATGAAAGAAGAGCTGTAATTCACAACCATGATTGTCTGGCTATTTATTATCAT[C>T]ATACTTACAACTGGACCTGGTGGGCCCTGGGGACCTTCCCCTCCTTTCAGTCCAGGTGCA-3'

ClinVar aggregate classification (germline): Likely benign (1 of 4 stars; one submission).

Submission:

GeneDx
Classification: Likely benign. Last evaluated: 2018-02-06. Review status: criteria provided, single submitter. Criteria: GeneDx Variant Classification (06012015). Collection method: clinical testing. Allele origin: germline. Affected: yes.
Comment: This variant is considered likely benign or benign based on one or more of the following criteria: it is a conservative change, it occurs at a poorly conserved position in the protein, it is predicted to be benign by multiple in silico algorithms, and/or has population frequency not consistent with disease.